The following is an entry in ClinVar:

ClinVar aggregate classification (germline): Likely benign. Review status: criteria provided, multiple submitters, no conflicts (2 of 4 stars). 2 submissions from 2 submitters: Likely benign (2). Last evaluated 2024-09-23.

Conditions:
Hereditary diffuse gastric adenocarcinoma (HDGC). Also called: DIFFUSE GASTRIC AND LOBULAR BREAST CANCER SYNDROME. Identifiers: Orphanet 26106, MedGen C1708349, MONDO:0007648, OMIM 137215.

Submissions (2):

Myriad Genetics, Inc.
Classification: Likely benign for Hereditary diffuse gastric adenocarcinoma. Last evaluated: 2024-09-23. Review status: criteria provided, single submitter. Criteria: Myriad Autosomal Dominant, Autosomal Recessive and X-Linked Classification Criteria (2023). Collection method: clinical testing. Allele origin: unknown.
Comment: This variant is considered likely benign. This variant is intronic and is not expected to impact mRNA splicing.

Labcorp Genetics (formerly Invitae), Labcorp
Classification: Likely benign for Hereditary diffuse gastric adenocarcinoma. Last evaluated: 2019-02-07. Review status: criteria provided, single submitter. Criteria: Invitae Variant Classification Sherloc (09022015). Collection method: clinical testing. Allele origin: germline.

NM_004360.5(CDH1):c.2295+8T>G

Gene: CDH1 (cadherin 1; plus strand). Cytogenetic location: 16q22.1.
Variant type: single nucleotide variant.
Coding change: c.2295+8T>G on transcript NM_004360.5 (MANE Select); 8 bases into the intron after coding-DNA position 2295, T replaced by G.
Molecular consequence: intron variant.
Genome position (GRCh38, 1-based): chr16:68,828,312, T>G. VCF-style: chr16-68828312-T-G. GRCh37 (hg19) VCF-style: chr16-68862215-T-G.
Other names: c.747+8T>G (NM_001317185.2); c.330+8T>G (NM_001317186.2); c.2112+8T>G (NM_001317184.2).
Identifiers: ClinVar variation 1116203 (VCV001116203.10), dbSNP rs2152141611, ClinGen allele CA2499223674.
Genomic context (GRCh38, chr16:68,828,312, plus strand): 5'-CCCGGGACAACGTTTATTACTATGATGAAGAAGGAGGCGGAGAAGAGGACCAGGTGGGTT[T>G]TGAAAACCTTGGTAGCTCAGTGGTGATCTCTTTATTCGGAAGAAGCAATGATTAGTAAGA-3'